The following is an entry in ClinVar:

ClinVar aggregate classification (germline): Uncertain significance. Review status: criteria provided, multiple submitters, no conflicts (2 of 4 stars). 2 submissions from 2 submitters: Uncertain significance (2). Last evaluated 2024-04-29.

Conditions:
Isolated focal cortical dysplasia type II (FCORD2). Also called: CORTICAL DYSPLASIA OF TAYLOR; Focal cortical dysplasia type II. Identifiers: Orphanet 268994, MedGen C1846385, MONDO:0011818, OMIM 607341, HP:0032051.
Tuberous sclerosis 2 (TSC2). Identifiers: Orphanet 805, MedGen C1860707, MONDO:0013199, OMIM 613254.

Submissions (2):

Labcorp Genetics (formerly Invitae), Labcorp
Classification: Uncertain significance for Tuberous sclerosis 2. Last evaluated: 2024-04-29. Review status: criteria provided, single submitter. Criteria: Invitae Variant Classification Sherloc (09022015). Collection method: clinical testing. Allele origin: germline.
Comment: This sequence change replaces serine, which is neutral and polar, with leucine, which is neutral and non-polar, at codon 742 of the TSC2 protein (p.Ser742Leu). This variant is not present in population databases (gnomAD no frequency). This missense change has been observed in individual(s) with kidney cancer (PMID: 30093976). ClinVar contains an entry for this variant (Variation ID: 406093). Advanced modeling of protein sequence and biophysical properties (such as structural, functional, and spatial information, amino acid conservation, physicochemical variation, residue mobility, and thermodynamic stability) performed at Invitae indicates that this missense variant is not expected to disrupt TSC2 protein function with a negative predictive value of 95%. In summary, the available evidence is currently insufficient to determine the role of this variant in disease. Therefore, it has been classified as a Variant of Uncertain Significance.

Baylor Genetics
Classification: Uncertain significance for Isolated focal cortical dysplasia type II. Last evaluated: 2024-02-13. Review status: criteria provided, single submitter. Criteria: ACMG Guidelines, 2015. Collection method: clinical testing. Allele origin: unknown.

Literature cited by the submitters: PubMed 30093976 (cited by Labcorp Genetics (formerly Invitae), Labcorp).

NM_000548.5(TSC2):c.2225C>T (p.Ser742Leu)

Gene: TSC2 (TSC complex subunit 2; plus strand). Cytogenetic location: 16p13.3.
Variant type: single nucleotide variant.
Coding change: c.2225C>T on transcript NM_000548.5 (MANE Select); coding-DNA position 2225, C replaced by T.
Protein change: p.Ser742Leu; replaces serine 742 with leucine.
Molecular consequence: missense variant.
Genome position (GRCh38, 1-based): chr16:2,072,853, C>T. VCF-style: chr16-2072853-C-T. GRCh37 (hg19) VCF-style: chr16-2122854-C-T.
Other names: c.2225C>T, p.Ser742Leu (NM_001077183.3, NM_001114382.3, NM_001363528.2 and 3 more transcripts); c.2114C>T, p.Ser705Leu (NM_001318827.2); c.2078C>T, p.Ser693Leu (NM_001318829.2); c.1625C>T, p.Ser542Leu (NM_001318831.2); c.2258C>T, p.Ser753Leu (NM_001318832.2); short protein forms S742L, S753L, S693L, S542L, S705L.
Identifiers: ClinVar variation 406093 (VCV000406093.11), dbSNP rs45517220, ClinGen allele CA16615067.